The following is an entry in ClinVar:

NM_001286445.3(RIPOR2):c.605G>C (p.Arg202Pro)

Gene: RIPOR2 (RHO family interacting cell polarization regulator 2; minus strand). Cytogenetic location: 6p22.3.
Variant type: single nucleotide variant.
Coding change: c.605G>C on transcript NM_001286445.3 (MANE Select); coding-DNA position 605, G replaced by C.
Protein change: p.Arg202Pro; replaces arginine 202 with proline.
Molecular consequence: missense variant.
Genome position (GRCh38, 1-based): chr6:24,865,347, C>G on the plus strand (G>C on the coding strand, the complement: RIPOR2 is on the minus strand). VCF-style: chr6-24865347-C-G. GRCh37 (hg19) VCF-style: chr6-24865575-C-G.
Other names: c.620G>C, p.Arg207Pro (NM_001286446.3); c.518G>C, p.Arg173Pro (NM_001286447.2, NM_001346031.2, NM_001346032.2 and 2 more transcripts); short protein forms R202P, R207P, R173P.
Identifiers: ClinVar variation 4729637 (VCV004729637.1).

ClinVar aggregate classification (germline): Uncertain significance (1 of 4 stars; one submission).

Submission:

Labcorp Genetics (formerly Invitae), Labcorp
Classification: Uncertain significance. Last evaluated: 2025-10-21. Review status: criteria provided, single submitter. Criteria: Invitae Variant Classification Sherloc (09022015). Collection method: clinical testing. Allele origin: germline.
Comment: This sequence change replaces arginine, which is basic and polar, with proline, which is neutral and non-polar, at codon 173 of the FAM65B protein (p.Arg173Pro). This variant is present in population databases (no rsID available, gnomAD 0.0009%). This variant has not been reported in the literature in individuals affected with FAM65B-related conditions. An algorithm developed to predict the effect of missense changes on protein structure and function (PolyPhen-2) suggests that this variant is likely to be disruptive. In summary, the available evidence is currently insufficient to determine the role of this variant in disease. Therefore, it has been classified as a Variant of Uncertain Significance.